The following is an entry in ClinVar:

NM_024334.3(TMEM43):c.905G>C (p.Arg302Thr)

Gene: TMEM43 (transmembrane protein 43; plus strand). Cytogenetic location: 3p25.1.
Variant type: single nucleotide variant.
Coding change: c.905G>C on transcript NM_024334.3 (MANE Select); coding-DNA position 905, G replaced by C.
Protein change: p.Arg302Thr; replaces arginine 302 with threonine.
Molecular consequence: missense variant.
Genome position (GRCh38, 1-based): chr3:14,139,202, G>C. VCF-style: chr3-14139202-G-C. GRCh37 (hg19) VCF-style: chr3-14180702-G-C.
Other names: c.908G>C, p.Arg303Thr (NM_001407274.1); c.902G>C, p.Arg301Thr (NM_001407275.1, NM_001407276.1); c.899G>C, p.Arg300Thr (NM_001407277.1); c.890G>C, p.Arg297Thr (NM_001407278.1); c.830G>C, p.Arg277Thr (NM_001407279.1); c.755G>C, p.Arg252Thr (NM_001407280.1); short protein forms R252T, R277T, R297T, R300T, R301T, R302T, R303T.
Identifiers: ClinVar variation 3070331 (VCV003070331.2), dbSNP rs539945827, ClinGen allele CA056225.
Genomic context (GRCh38, chr3:14,139,202, plus strand): 5'-CCCTCAGCATCCTGACCTGCCCCCACCTTGTCCTGCAGGAGGTGTTTCATAGAGAACTAA[G>C]GAGCAACTCCATGAAGACCTGGGGCCTGCGGGCAGCTGGCTGGATGGCCATGTTCATGGG-3'
Protein context (NP_077310.1, residues 292-312): SAEEVFHREL[Arg302Thr]SNSMKTWGLR

ClinVar aggregate classification (germline): Uncertain significance. Review status: criteria provided, multiple submitters, no conflicts (2 of 4 stars). 2 submissions from 2 submitters: Uncertain significance (2). Last evaluated 2025-08-03.

Conditions:
Arrhythmogenic right ventricular dysplasia 5. Also called: Arrhythmogenic Right Ventricular Dysplasia/Cardiomyopathy 5; ARRHYTHMOGENIC RIGHT VENTRICULAR DYSPLASIA, FAMILIAL, 5. Identifiers: MedGen C1858379, MONDO:0011459, OMIM 604400.
Cardiovascular phenotype. Identifiers: MedGen CN230736.

Allele frequency attached by ClinVar (database versions not stated): gnomAD 0.00001; 1000 Genomes Project 30x 0.00016; 1000 Genomes Project 0.00020.

Submissions (2):

Ambry Genetics
Classification: Uncertain significance for Cardiovascular phenotype. Last evaluated: 2025-08-03. Review status: criteria provided, single submitter. Criteria: Ambry Variant Classification Scheme 2023. Collection method: clinical testing. Allele origin: germline.
Comment: The p.R302T variant (also known as c.905G>C), located in coding exon 11 of the TMEM43 gene, results from a G to C substitution at nucleotide position 905. The arginine at codon 302 is replaced by threonine, an amino acid with similar properties. This amino acid position is conserved. In addition, this alteration is predicted to be tolerated by in silico analysis. Based on the available evidence, the clinical significance of this variant remains unclear.

All of Us Research Program, National Institutes of Health
Classification: Uncertain significance for Arrhythmogenic right ventricular dysplasia 5. Last evaluated: 2023-04-03. Review status: criteria provided, single submitter. Criteria: ACMG Guidelines, 2015. Collection method: clinical testing. Allele origin: germline. Inheritance: Autosomal dominant inheritance. Observed: 1 variant allele, 1 heterozygote.
Comment: This missense variant replaces arginine with threonine at codon 302 of the TMEM43 protein. Computational prediction suggests that this variant may not impact protein structure and function (internally defined REVEL score threshold <= 0.5, PMID: 27666373). To our knowledge, functional studies have not been reported for this variant. This variant has not been reported in individuals affected with TMEM43-related disorders in the literature. This variant has been identified in 1/251450 chromosomes in the general population by the Genome Aggregation Database (gnomAD). The available evidence is insufficient to determine the role of this variant in disease conclusively. Therefore, this variant is classified as a Variant of Uncertain Significance.

This study involves interpretation of variants in research participants for the purpose of population health screening. Participant phenotype was not available at the time of variant classification. Additional details can be found in publication PMID: 35346344, PMCID: PMC8962531